The following is an entry in ClinVar:

ClinVar aggregate classification (germline): Uncertain significance (1 of 4 stars; one submission).

Conditions:
DK1-congenital disorder of glycosylation. Also called: DK1-CDG; CONGENITAL DISORDER OF GLYCOSYLATION, TYPE Im; CDG Im; DK1 DEFICIENCY; DOLICHOL KINASE DEFICIENCY; DOLK-congenital disorder of glycosylation. Identifiers: Orphanet 91131, MedGen C1835849, MONDO:0012556, OMIM 610768.

Submission:

Labcorp Genetics (formerly Invitae), Labcorp
Classification: Uncertain significance for DK1-congenital disorder of glycosylation. Last evaluated: 2022-08-03. Review status: criteria provided, single submitter. Criteria: Invitae Variant Classification Sherloc (09022015). Collection method: clinical testing. Allele origin: germline.
Comment: In summary, the available evidence is currently insufficient to determine the role of this variant in disease. Therefore, it has been classified as a Variant of Uncertain Significance. Algorithms developed to predict the effect of missense changes on protein structure and function (SIFT, PolyPhen-2, Align-GVGD) all suggest that this variant is likely to be tolerated. ClinVar contains an entry for this variant (Variation ID: 965070). This variant has not been reported in the literature in individuals affected with DOLK-related conditions. This variant is not present in population databases (gnomAD no frequency). This sequence change replaces alanine, which is neutral and non-polar, with threonine, which is neutral and polar, at codon 435 of the DOLK protein (p.Ala435Thr).

NM_014908.4(DOLK):c.1303G>A (p.Ala435Thr)

Gene: DOLK (dolichol kinase; minus strand). Cytogenetic location: 9q34.11.
Variant type: single nucleotide variant.
Coding change: c.1303G>A on transcript NM_014908.4 (MANE Select); coding-DNA position 1303, G replaced by A.
Protein change: p.Ala435Thr; replaces alanine 435 with threonine.
Molecular consequence: missense variant.
Genome position (GRCh38, 1-based): chr9:128,946,001, C>T on the plus strand (G>A on the coding strand, the complement: DOLK is on the minus strand). VCF-style: chr9-128946001-C-T. GRCh37 (hg19) VCF-style: chr9-131708280-C-T.
Other names: short protein forms A435T.
Identifiers: ClinVar variation 965070 (VCV000965070.10), dbSNP rs1306365829, ClinGen allele CA375117959.